The following is an entry in ClinVar:

NM_175914.5(HNF4A):c.912C>A (p.Arg304=)

Gene: HNF4A (hepatocyte nuclear factor 4 alpha; plus strand). Cytogenetic location: 20q13.12.
Variant type: single nucleotide variant.
Coding change: c.912C>A on transcript NM_175914.5 (MANE Select); coding-DNA position 912, C replaced by A.
Protein change: p.Arg304=; no amino-acid change (arginine 304 retained).
Molecular consequence: synonymous variant.
Genome position (GRCh38, 1-based): chr20:44,424,103, C>A. VCF-style: chr20-44424103-C-A. GRCh37 (hg19) VCF-style: chr20-43052743-C-A.
Other names: c.978C>A, p.Arg326= (NM_000457.6, NM_178849.3, NM_178850.3); c.912C>A, p.Arg304= (NM_001030003.3, NM_001030004.3); c.957C>A, p.Arg319= (NM_001258355.2); c.903C>A, p.Arg301= (NM_001287182.2, NM_001287183.2, NM_001287184.2); c.912C>A (NM_175914.3).
Identifiers: ClinVar variation 995124 (VCV000995124.10), dbSNP rs760811566, ClinGen allele CA9870407.

ClinVar aggregate classification (germline): Benign/Likely benign. Review status: criteria provided, multiple submitters, no conflicts (2 of 4 stars). 6 submissions from 6 submitters: Benign (1); Likely benign (5). Last evaluated 2024-08-19.

Conditions:
Maturity-onset diabetes of the young type 1. Also called: MILD JUVENILE DIABETES MELLITUS; HNF4A-Related Maturity-Onset Diabetes of the Young Type 1; MODY type 1; Diabetes mellitus MODY type 1; MODY HNF4A related; MODY, type I. Identifiers: Orphanet 552, MedGen C1852093, MONDO:0007452, OMIM 125850. Disease mechanism: loss of function.
Fanconi renotubular syndrome 4 with maturity-onset diabetes of the young (FRTS4). Also called: FRTS4 WITH MODY. Identifiers: Orphanet 93111, MedGen C4014962, MONDO:0014458, OMIM 616026.
Type 2 diabetes mellitus. Also called: Type II diabetes mellitus. Identifiers: MedGen C0011860, MeSH D003924, MONDO:0005148, OMIM 125853, HP:0005978.
Maturity-onset diabetes of the young (MODY). Also called: Maturity onset diabetes mellitus in young. Identifiers: Orphanet 552, MedGen C0342276, MONDO:0018911, HP:0004904.

Allele frequency attached by ClinVar (database versions not stated): TOPMed 0.00012.
gnomAD v4.1: 49 of 1,613,376 alleles (0.003%); highest among the groups gnomAD compares: African/African-American, 0.06%; no homozygotes.

Submissions (6):

Ambry Genetics
Classification: Likely benign for Maturity-onset diabetes of the young. Last evaluated: 2024-08-19. Review status: criteria provided, single submitter. Criteria: Ambry Variant Classification Scheme 2023. Collection method: clinical testing. Allele origin: germline.

Women's Health and Genetics/Laboratory Corporation of America, LabCorp
Classification: Likely benign. Last evaluated: 2024-04-18. Review status: criteria provided, single submitter. Criteria: LabCorp Variant Classification Summary - May 2015. Collection method: clinical testing. Allele origin: germline.

Labcorp Genetics (formerly Invitae), Labcorp
Classification: Likely benign. Last evaluated: 2023-10-11. Review status: criteria provided, single submitter. Criteria: Invitae Variant Classification Sherloc (09022015). Collection method: clinical testing. Allele origin: germline.

Fulgent Genetics
Classification: Likely benign for Maturity-onset diabetes of the young type 1; Type 2 diabetes mellitus; Fanconi renotubular syndrome 4 with maturity-onset diabetes of the young. Last evaluated: 2021-08-20. Review status: criteria provided, single submitter. Criteria: ACMG Guidelines, 2015. Collection method: clinical testing. Allele origin: unknown.

Athena Diagnostics
Classification: Benign. Last evaluated: 2020-02-27. Review status: criteria provided, single submitter. Criteria: Athena Diagnostics Criteria. Collection method: clinical testing. Allele origin: unknown.

Clinical Genomics, Uppaluri K&H Personalized Medicine Clinic
Classification: Likely benign for Maturity-onset diabetes of the young. Review status: criteria provided, single submitter. Criteria: K & H Uppaluri Personalized Medicine Clinic Variant Classification & Assertion Criteria_Updated V.1. Collection method: research. Allele origin: unknown. Inheritance: Autosomal dominant inheritance.
Comment: Potent mutations in HNF4A are associated with poor insulin secretion in response to hyperglycemia. Associated with MODY1. Patients initially respond well to sulfonylureas but eventually become insulin dependent. However, more evidence is required to ascertain the role of this particular variant rs760811566 in MODY, yet.

Literature cited by the submitters: DOI 10.1159/000334532 (cited by Clinical Genomics, Uppaluri K&H Personalized Medicine Clinic); PubMed 18268044 (cited by Clinical Genomics, Uppaluri K&H Personalized Medicine Clinic); PubMed 17563455 (cited by Clinical Genomics, Uppaluri K&H Personalized Medicine Clinic); PubMed 32583173 (cited by Clinical Genomics, Uppaluri K&H Personalized Medicine Clinic); PubMed 35052457 (cited by Clinical Genomics, Uppaluri K&H Personalized Medicine Clinic); PubMed 35118593 (cited by Clinical Genomics, Uppaluri K&H Personalized Medicine Clinic).